The following is an entry in ClinVar:

NC_000003.11:g.(?_53529194)_(53707863_?)dup

Gene: CACNA1D (calcium voltage-gated channel subunit alpha1 D; plus strand). Cytogenetic location: 3p21.1.
Variant type: Duplication.
Identifiers: ClinVar variation 1409918 (VCV001409918.4).

ClinVar aggregate classification (germline): Uncertain significance (1 of 4 stars; one submission).

Submission:

Labcorp Genetics (formerly Invitae), Labcorp
Classification: Uncertain significance. Last evaluated: 2021-09-25. Review status: criteria provided, single submitter. Criteria: Invitae Variant Classification Sherloc (09022015). Collection method: clinical testing. Allele origin: germline.
Comment: In summary, the available evidence is currently insufficient to determine the role of this variant in disease. Therefore, it has been classified as a Variant of Uncertain Significance. Experimental studies and prediction algorithms are not available or were not evaluated, and the functional significance of this variant is currently unknown. This variant has not been reported in the literature in individuals affected with CACNA1D-related conditions. This variant results in a copy number gain of the genomic region encompassing exon(s) 1-8 of the CACNA1D gene. This region includes the initiator codon of the gene. This copy number gain extends beyond the assayed region for this gene and therefore may encompass additional genes. As the precise location of this event is unknown, it may be in tandem or it may be located elsewhere in the genome.